The following is an entry in ClinVar:

ClinVar aggregate classification (germline): Pathogenic (1 of 4 stars; one submission).

Conditions:
Kabuki syndrome. Also called: Kabuki make-up syndrome; NIIKAWA-KUROKI SYNDROME. Identifiers: Orphanet 2322, MedGen C0796004, MONDO:0016512.

Submission:

Labcorp Genetics (formerly Invitae), Labcorp
Classification: Pathogenic for Kabuki syndrome. Last evaluated: 2021-08-22. Review status: criteria provided, single submitter. Criteria: Invitae Variant Classification Sherloc (09022015). Collection method: clinical testing. Allele origin: germline.
Comment: This variant has not been reported in the literature in individuals affected with KMT2D-related conditions. This variant is not present in population databases (ExAC no frequency). For these reasons, this variant has been classified as Pathogenic. Algorithms developed to predict the effect of sequence changes on RNA splicing suggest that this variant may create or strengthen a splice site. This sequence change creates a premature translational stop signal (p.Val1381Glyfs*50) in the KMT2D gene. It is expected to result in an absent or disrupted protein product. Loss-of-function variants in KMT2D are known to be pathogenic (PMID: 22126750).

Literature cited by the submitters: PubMed 22126750.

NM_003482.4(KMT2D):c.4142_4143del (p.Val1381fs)

Gene: KMT2D (lysine methyltransferase 2D; minus strand). Cytogenetic location: 12q13.12.
Variant type: Microsatellite.
Coding change: c.4142_4143del on transcript NM_003482.4 (MANE Select); coding-DNA positions 4142 to 4143, 2 bases deleted (TG; older notation c.4142_4143delTG).
Protein change: p.Val1381fs; shifts the reading frame from valine 1381.
Molecular consequence: frameshift variant.
Genome position (GRCh38, 1-based): chr12:49,048,058-49,048,059, CA deleted on the plus strand (TG on the coding strand, the reverse complement: KMT2D is on the minus strand); deleting any 2 consecutive bases within chr12:49,048,058-49,048,065 gives the same sequence; the c. name uses the placement nearest the transcript's 3' end. VCF-style (leftmost placement, unchanged base first): chr12-49048057-CCA-C. GRCh37 (hg19) VCF-style: chr12-49441840-CCA-C.
Other names: short protein forms V1381fs.
Identifiers: ClinVar variation 1457108 (VCV001457108.6), dbSNP rs2120621151, ClinGen allele CA2580615180.